The following is an entry in ClinVar:

ClinVar aggregate classification (germline): Uncertain significance (1 of 4 stars; one submission).

Allele frequency attached by ClinVar (database versions not stated): ExAC 0.00001; ESP Exome Variant Server 0.00023.
gnomAD v4.1: 107 of 1,614,056 alleles (0.0066%); highest among the groups gnomAD compares: Non-Finnish European, 0.0089%; no homozygotes.

Submission:

Labcorp Genetics (formerly Invitae), Labcorp
Classification: Uncertain significance. Last evaluated: 2022-11-23. Review status: criteria provided, single submitter. Criteria: Invitae Variant Classification Sherloc (09022015). Collection method: clinical testing. Allele origin: germline.
Comment: This sequence change replaces glycine, which is neutral and non-polar, with glutamic acid, which is acidic and polar, at codon 132 of the NSUN3 protein (p.Gly132Glu). This variant is present in population databases (rs373585696, gnomAD 0.01%). This variant has not been reported in the literature in individuals affected with NSUN3-related conditions. Algorithms developed to predict the effect of missense changes on protein structure and function are either unavailable or do not agree on the potential impact of this missense change (SIFT: "Deleterious"; PolyPhen-2: "Probably Damaging"; Align-GVGD: "Class C0"). In summary, the available evidence is currently insufficient to determine the role of this variant in disease. Therefore, it has been classified as a Variant of Uncertain Significance.

NM_022072.5(NSUN3):c.395G>A (p.Gly132Glu)

Gene: NSUN3 (NOP2/Sun RNA methyltransferase 3; plus strand). Cytogenetic location: 3q11.2.
Variant type: single nucleotide variant.
Coding change: c.395G>A on transcript NM_022072.5 (MANE Select); coding-DNA position 395, G replaced by A.
Protein change: p.Gly132Glu; replaces glycine 132 with glutamic acid.
Molecular consequence: missense variant.
Genome position (GRCh38, 1-based): chr3:94,084,379, G>A. VCF-style: chr3-94084379-G-A. GRCh37 (hg19) VCF-style: chr3-93803223-G-A.
Other names: short protein forms G132E.
Identifiers: ClinVar variation 2891906 (VCV002891906.3), dbSNP rs373585696, ClinGen allele CA2504688.